The following is an entry in ClinVar:

ClinVar aggregate classification (germline): Conflicting classifications of pathogenicity. Review status: criteria provided, conflicting classifications (1 of 4 stars). 8 submissions from 8 submitters: Uncertain significance (5); Likely benign (3). Last evaluated 2026-01-31.

Conditions:
POLE-related disorder. Also called: POLE-related disorders; POLE-related condition.
Hereditary cancer-predisposing syndrome. Also called: Neoplastic Syndromes, Hereditary; Tumor predisposition; Hereditary Cancer Syndrome; Hereditary neoplastic syndrome. Identifiers: Orphanet 140162, MedGen C0027672, MeSH D009386, MONDO:0015356.
Facial dysmorphism-immunodeficiency-livedo-short stature syndrome. Also called: Facial dysmorphism, immunodeficiency, livedo, and short stature; FILS syndrome. Identifiers: Orphanet 352712, MedGen C3554576, MONDO:0014058, OMIM 615139.
Familial colorectal cancer. Identifiers: MedGen CN280943, MONDO:0023113. Disease mechanism: loss of function.

Allele frequency attached by ClinVar (database versions not stated): gnomAD exomes 0.00003 and 0.00011; ExAC 0.00010; ESP Exome Variant Server 0.00015; gnomAD 0.00032 and 0.00034; TOPMed 0.00041; 1000 Genomes Project 0.00080; 1000 Genomes Project 30x 0.00094.

Submissions (8):

Labcorp Genetics (formerly Invitae), Labcorp
Classification: Likely benign. Last evaluated: 2026-01-31. Review status: criteria provided, single submitter. Criteria: Invitae Variant Classification Sherloc (09022015). Collection method: clinical testing. Allele origin: germline.

PreventionGenetics, part of Exact Sciences
Classification: Uncertain significance for POLE-related condition. Last evaluated: 2025-06-17. Review status: criteria provided, single submitter. Criteria: ACMG Guidelines, 2015. Collection method: clinical testing. Allele origin: germline.
Comment: The POLE c.1534G>A variant is predicted to result in the amino acid substitution p.Ala512Thr. This variant has been reported in an individual with breast cancer (Table S3, Guindalini et al. 2022. PubMed ID: 35264596), however it is not known if this variant co-occurred with any known pathogenic variant in other breast cancer-related genes. This variant is reported in 0.14% of alleles in individuals of African descent in gnomAD, which may be too frequent to be an undocumented pathogenic variant. This variant has been interpreted as both uncertain and likely benign in the ClinVar database. Although we suspect that this variant may be benign, at this time, the clinical significance of this variant is uncertain due to the absence of conclusive functional and genetic evidence.

Center for Genomic Medicine, Rigshospitalet, Copenhagen University Hospital
Classification: Uncertain significance. Last evaluated: 2025-03-04. Review status: criteria provided, single submitter. Criteria: ACMG Guidelines, 2015. Collection method: clinical testing. Allele origin: germline.

GeneDx
Classification: Uncertain significance. Last evaluated: 2024-07-23. Review status: criteria provided, single submitter. Criteria: GeneDx Variant Classification Process June 2021. Collection method: clinical testing. Allele origin: germline. Affected: yes.
Comment: In silico analysis supports that this missense variant has a deleterious effect on protein structure/function; This variant is associated with the following publications: (PMID: 35264596, 36315513)

Ambry Genetics
Classification: Likely benign for Hereditary cancer-predisposing syndrome. Last evaluated: 2022-10-22. Review status: criteria provided, single submitter. Criteria: Ambry Variant Classification Scheme 2023. Collection method: clinical testing. Allele origin: germline.

Sema4
Classification: Likely benign for Hereditary cancer-predisposing syndrome. Last evaluated: 2021-02-19. Review status: criteria provided, single submitter. Criteria: Sema4 Curation Guidelines. Collection method: curation. Allele origin: germline.

Baylor Genetics
Classification: Uncertain significance for Facial dysmorphism-immunodeficiency-livedo-short stature syndrome. Last evaluated: 2018-11-18. Review status: criteria provided, single submitter. Criteria: ACMG Guidelines, 2015. Collection method: clinical testing. Allele origin: paternal. Affected: yes. Study: CSER-TexasKidsCanSeq.
Comment: This variant was determined to be of uncertain significance according to ACMG Guidelines, 2015 [PMID:25741868].

Mendelics
Classification: Uncertain significance for Familial colorectal cancer. Last evaluated: 2018-07-02. Review status: criteria provided, single submitter. Criteria: Mendelics Assertion Criteria 2017. Collection method: clinical testing. Allele origin: unknown.

NM_006231.4(POLE):c.1534G>A (p.Ala512Thr)

Gene: POLE (DNA polymerase epsilon, catalytic subunit; minus strand). Cytogenetic location: 12q24.33.
Variant type: single nucleotide variant.
Coding change: c.1534G>A on transcript NM_006231.4 (MANE Select); coding-DNA position 1534, G replaced by A.
Protein change: p.Ala512Thr; replaces alanine 512 with threonine.
Molecular consequence: missense variant.
Genome position (GRCh38, 1-based): chr12:132,672,779, C>T on the plus strand (G>A on the coding strand, the complement: POLE is on the minus strand). VCF-style: chr12-132672779-C-T. GRCh37 (hg19) VCF-style: chr12-133249365-C-T.
Other names: short protein forms A512T.
Identifiers: ClinVar variation 405691 (VCV000405691.35), dbSNP rs113998091, ClinGen allele CA6893918.